The following is an entry in ClinVar:

NM_000264.5(PTCH1):c.1503+3A>G

Gene: PTCH1 (patched 1; minus strand). Cytogenetic location: 9q22.32.
Variant type: single nucleotide variant.
Coding change: c.1503+3A>G on transcript NM_000264.5 (MANE Select); 3 bases into the intron after coding-DNA position 1503, A replaced by G.
Molecular consequence: intron variant.
Genome position (GRCh38, 1-based): chr9:95,477,544, T>C on the plus strand (A>G on the coding strand, the complement: PTCH1 is on the minus strand). VCF-style: chr9-95477544-T-C. GRCh37 (hg19) VCF-style: chr9-98239826-T-C.
Other names: c.1500+3A>G (NM_001083603.3); c.1305+3A>G (NM_001083602.3); c.1347+511A>G (NM_001354918.2); c.1050+3A>G (NM_001083605.3, NM_001083604.3, NM_001083606.3 and 1 more transcripts).
Identifiers: ClinVar variation 237456 (VCV000237456.8), dbSNP rs878853846, ClinGen allele CA10582683.

ClinVar aggregate classification (germline): Uncertain significance. Review status: criteria provided, single submitter (1 of 4 stars). 2 submissions from 2 submitters: Uncertain significance (1). 1 of the submissions does not count toward it. Last evaluated 2015-12-01.

Conditions:
Congenital hydrocephalus. Identifiers: Orphanet 2185, MedGen C0020256, MONDO:0016349.
Gorlin syndrome. Also called: Nevoid Basal Cell Carcinoma Syndrome; Basal cell nevus syndrome. Identifiers: Orphanet 377, MedGen C0004779, MONDO:0007187.

Submissions (2):

Labcorp Genetics (formerly Invitae), Labcorp
Classification: Uncertain significance for Gorlin syndrome. Last evaluated: 2015-12-01. Review status: criteria provided, single submitter. Criteria: Invitae Variant Classification Sherloc (09022015). Collection method: clinical testing. Allele origin: germline.
Comment: In summary, this is a novel intronic change with uncertain impact on splicing. It has been classified as a Variant of Uncertain Significance. Algorithms developed to predict the effect of nucleotide changes on mRNA splicing suggest that this intronic variant may alter mRNA splicing, but this prediction has not been confirmed by published transcriptional studies. This variant is not present in population databases (ExAC no frequency) and has not been reported in the literature. This sequence change falls in intron 10 of the PTCH1 mRNA. It does not directly change the encoded amino acid sequence of the PTCH1 protein.

Yale Center for Mendelian Genomics, Yale University
Classification: Likely pathogenic for Congenital hydrocephalus. Last evaluated: 2018-07-05. Review status: no assertion criteria provided. Collection method: literature only. Allele origin: de novo. Affected: yes. Observed: 1 heterozygote. Not counted in ClinVar's aggregate classification.

Literature cited by the submitters: PubMed 29983323 (cited by Yale Center for Mendelian Genomics, Yale University).